The following is an entry in ClinVar:

NM_001040616.3(LINS1):c.2032C>T (p.Pro678Ser)

Gene: LINS1 (lines homolog 1; minus strand). Cytogenetic location: 15q26.3.
Variant type: single nucleotide variant.
Coding change: c.2032C>T on transcript NM_001040616.3 (MANE Select); coding-DNA position 2032, C replaced by T.
Protein change: p.Pro678Ser; replaces proline 678 with serine.
Molecular consequence: missense variant. On other transcripts: non-coding transcript variant (3).
Genome position (GRCh38, 1-based): chr15:100,569,480, G>A on the plus strand (C>T on the coding strand, the complement: LINS1 is on the minus strand). VCF-style: chr15-100569480-G-A. GRCh37 (hg19) VCF-style: chr15-101109685-G-A.
Other names: c.1285C>T, p.Pro429Ser (NM_001352507.2); c.1879C>T, p.Pro627Ser (NM_001352508.2); short protein forms P627S, P429S, P678S.
Identifiers: ClinVar variation 1030057 (VCV001030057.2), dbSNP rs771451811, ClinGen allele CA7759278.

ClinVar aggregate classification (germline): Uncertain significance. Review status: criteria provided, multiple submitters, no conflicts (2 of 4 stars). 2 submissions from 2 submitters: Uncertain significance (2). Last evaluated 2023-05-22.

Conditions:
Intellectual developmental disorder, autosomal recessive 27. Also called: Mental retardation, autosomal recessive 27; Intellectual disability, autosomal recessive 27. Identifiers: Orphanet 88616, MedGen C3280538, MONDO:0013702, OMIM 614340.

Allele frequency attached by ClinVar (database versions not stated): ExAC 0.00002; gnomAD exomes 0.00002 and 0.00008; gnomAD 0.00003.
gnomAD v4.1: 119 of 1,614,050 alleles (0.0074%); highest among the groups gnomAD compares: Middle Eastern, 0.71%; 3 homozygotes.

Submissions (2):

Blueprint Genetics
Classification: Uncertain significance. Last evaluated: 2023-05-22. Review status: criteria provided, single submitter. Criteria: ACMG Guidelines, 2015. Collection method: clinical testing. Allele origin: germline.

Baylor Genetics
Classification: Uncertain significance for Intellectual developmental disorder, autosomal recessive 27. Last evaluated: 2019-09-06. Review status: criteria provided, single submitter. Criteria: ACMG Guidelines, 2015. Collection method: clinical testing. Allele origin: unknown. Affected: yes.
Comment: This variant was determined to be of uncertain significance according to ACMG Guidelines, 2015 [PMID:25741868].